The following is an entry in ClinVar:

NM_001394062.1(MACF1):c.20613+2_20613+5del

Gene: MACF1 (microtubule actin crosslinking factor 1; plus strand). Cytogenetic location: 1p34.3.
Variant type: Deletion.
Coding change: c.20613+2_20613+5del on transcript NM_001394062.1 (MANE Select); the canonical splice donor site of the intron after coding-DNA position 20613 through 5 bases into the intron after coding-DNA position 20613, 4 bases deleted (TAAG; older notation c.20613+2_20613+5delTAAG).
Molecular consequence: splice donor variant.
Genome position (GRCh38, 1-based): chr1:39,452,352-39,452,355, TAAG deleted; deleting any 4 consecutive bases within chr1:39,452,349-39,452,355 gives the same sequence; the c. name uses the placement nearest the transcript's 3' end. VCF-style (leftmost placement, unchanged base first): chr1-39452348-CAAGT-C. GRCh37 (hg19) VCF-style: chr1-39918020-CAAGT-C.
Other names: c.14436+2_14436+5del (NM_012090.5); c.8691+2_8691+5del (NM_001397473.1).
Identifiers: ClinVar variation 4686347 (VCV004686347.1).

ClinVar aggregate classification (germline): Uncertain significance (1 of 4 stars; one submission).

Submission:

GeneDx
Classification: Uncertain significance. Last evaluated: 2025-07-17. Review status: criteria provided, single submitter. Criteria: GeneDx Variant Classification Process June 2021. Collection method: clinical testing. Allele origin: germline. Affected: yes.
Comment: Not observed at significant frequency in large population cohorts (gnomAD); Canonical splice site variant with an unclear effect on protein function; Has not been previously published as pathogenic or benign to our knowledge